The following is an entry in ClinVar:

NM_172362.3(KCNH1):c.1317G>T (p.Lys439Asn)

Gene: KCNH1 (potassium voltage-gated channel subfamily H member 1; minus strand). Cytogenetic location: 1q32.2.
Variant type: single nucleotide variant.
Coding change: c.1317G>T on transcript NM_172362.3 (MANE Select); coding-DNA position 1317, G replaced by T.
Protein change: p.Lys439Asn; replaces lysine 439 with asparagine.
Molecular consequence: missense variant.
Genome position (GRCh38, 1-based): chr1:210,919,785, C>A on the plus strand (G>T on the coding strand, the complement: KCNH1 is on the minus strand). VCF-style: chr1-210919785-C-A. GRCh37 (hg19) VCF-style: chr1-211093127-C-A.
Other names: c.1236G>T, p.Lys412Asn (NM_002238.4); short protein forms K412N, K439N.
Identifiers: ClinVar variation 3633733 (VCV003633733.2).

ClinVar aggregate classification (germline): Uncertain significance (1 of 4 stars; one submission).

Submission:

Labcorp Genetics (formerly Invitae), Labcorp
Classification: Uncertain significance. Last evaluated: 2024-07-31. Review status: criteria provided, single submitter. Criteria: Invitae Variant Classification Sherloc (09022015). Collection method: clinical testing. Allele origin: germline.
Comment: This sequence change replaces lysine, which is basic and polar, with asparagine, which is neutral and polar, at codon 439 of the KCNH1 protein (p.Lys439Asn). This variant is not present in population databases (gnomAD no frequency). This variant has not been reported in the literature in individuals affected with KCNH1-related conditions. Advanced modeling of protein sequence and biophysical properties (such as structural, functional, and spatial information, amino acid conservation, physicochemical variation, residue mobility, and thermodynamic stability) has been performed at Invitae for this missense variant, however the output from this modeling did not meet the statistical confidence thresholds required to predict the impact of this variant on KCNH1 protein function. In summary, the available evidence is currently insufficient to determine the role of this variant in disease. Therefore, it has been classified as a Variant of Uncertain Significance.